The following is an entry in ClinVar:

ClinVar aggregate classification (germline): Pathogenic. Review status: criteria provided, multiple submitters, no conflicts (2 of 4 stars). 23 submissions from 21 submitters: Pathogenic (16). 7 of the submissions do not count toward it. Last evaluated 2026-07-07.

Conditions:
Inherited ovarian cancer (without breast cancer).
Uterine corpus cancer. Identifiers: MedGen CN277893, MONDO:0006003.
BRIP1-related disorder. Also called: BRIP1-related condition; BRIP1-related disorders. Identifiers: MedGen CN239206.
Breast and/or ovarian cancer. Identifiers: MedGen CN221562.
Hereditary cancer-predisposing syndrome. Also called: Tumor predisposition; Hereditary neoplastic syndrome; Neoplastic Syndromes, Hereditary; Hereditary Cancer Syndrome. Identifiers: Orphanet 140162, MedGen C0027672, MeSH D009386, MONDO:0015356.
Familial cancer of breast. Also called: Hereditary breast cancer; hereditary breast carcinoma; BREAST CANCER, FAMILIAL. Identifiers: Orphanet 227535, MedGen C0346153, MONDO:0016419, OMIM 114480. Disease mechanism: loss of function.
Fanconi anemia complementation group J. Also called: BRIP1-Related Fanconi Anemia. Identifiers: Orphanet 84, MedGen C1836860, MONDO:0012187, OMIM 609054.
Ovarian cancer. Also called: OVARIAN CANCER, SOMATIC. Identifiers: Orphanet 213500, MedGen C1140680, MONDO:0008170, OMIM 167000.

Submissions 1 to 15 of 23:

PreventionGenetics, part of Exact Sciences
Classification: Pathogenic for BRIP1-related condition. Last evaluated: 2026-07-07. Review status: criteria provided, single submitter. Criteria: ACMG Guidelines, 2015. Collection method: clinical testing. Allele origin: germline.
Comment: The BRIP1 c.2038_2039dupTT variant is predicted to result in a frameshift and premature protein termination (p.Leu680Phefs*9). This variant has been reported as a germline variant in patients with breast and ovarian cancer (Table S2, Couch et al. 2015. PubMed ID: 25452441; Table S2, Ramus et al. 2015. PubMed ID: 26315354). This variant has not been reported in a large population database, indicating this variant is rare. This variant is interpreted as pathogenic/likely pathogenic in ClinVar (Variation ID: 128166). Frameshift variants in BRIP1 are expected to be pathogenic. This variant is interpreted as pathogenic.

Genetics Laboratory, Great Ormond Street Hospital NHS Foundation Trust, North Thames Genomic Laboratory Hub
Classification: Pathogenic for Inherited ovarian cancer (without breast cancer). Last evaluated: 2026-04-23. Review status: criteria provided, single submitter. Criteria: CanVIG Consensus Spec V3.0. Collection method: clinical testing. Allele origin: germline. Affected: yes.
Comment: PM2_supporting, PVS1_very-strong, PM5_supporting

Labcorp Genetics (formerly Invitae), Labcorp
Classification: Pathogenic for Familial cancer of breast; Fanconi anemia complementation group J. Last evaluated: 2025-12-16. Review status: criteria provided, single submitter. Criteria: Invitae Variant Classification Sherloc (09022015). Collection method: clinical testing. Allele origin: germline.
Comment: This sequence change creates a premature translational stop signal (p.Leu680Phefs*9) in the BRIP1 gene. It is expected to result in an absent or disrupted protein product. Loss-of-function variants in BRIP1 are known to be pathogenic (PMID: 16116423, 17033622, 21964575). This variant is not present in population databases (gnomAD no frequency). This premature translational stop signal has been observed in individual(s) with breast or ovarian cancer (PMID: 21964575, 25452441, 26315354, 26681312, 26845104). This variant is also known as c.2040_ 2041insTT. ClinVar contains an entry for this variant (Variation ID: 128166). For these reasons, this variant has been classified as Pathogenic.

Color Diagnostics, LLC DBA Color Health
Classification: Pathogenic for Hereditary cancer-predisposing syndrome. Last evaluated: 2025-12-08. Review status: criteria provided, single submitter. Criteria: ACMG Guidelines, 2015. Collection method: clinical testing. Allele origin: germline.
Comment: This variant inserts 2 nucleotides in exon 14 of the BRIP1 gene, creating a frameshift and premature translation stop signal. This variant is expected to result in an absent or non-functional protein product. This variant has been reported in individuals affected with breast, ovarian and endometrial cancer (PMID: 25452441, 26315354, 26681312, 26845104, 26921362, 33471991, 34994648) as well as in unaffected individuals (PMID: 30254378, 33471991). This variant has been identified in 9/1613990 chromosomes in the general population by the Genome Aggregation Database (gnomAD). Loss of BRIP1 function is a known mechanism of disease. Based on the available evidence, this variant is classified as Pathogenic.

Mayo Clinic Laboratories, Mayo Clinic
Classification: Pathogenic. Last evaluated: 2025-06-27. Review status: criteria provided, single submitter. Criteria: ACMG Guidelines, 2015. Collection method: clinical testing. Allele origin: germline. Observed: 1 variant allele.
Comment: PM2_supporting, PS4_moderate, PVS1

Quest Diagnostics Nichols Institute San Juan Capistrano
Classification: Pathogenic. Last evaluated: 2025-02-24. Review status: criteria provided, single submitter. Criteria: Quest Diagnostics criteria. Collection method: clinical testing. Allele origin: unknown.
Comment: The BRIP1 c.2038_2039dup (p.Leu680Phefs*9) variant alters the translational reading frame of the BRIP1 mRNA and causes the premature termination of BRIP1 protein synthesis. This variant has been reported in the published literature in individuals with breast cancer (PMID: 25452441 (2015), 26681312 (2015)), breast/colon cancer (PMID: 26845104 (2016)), ovarian cancer (PMID: 26315354 (2015)), and endometrial cancer (PMID 34994648 (2021)). In a large scale breast cancer association study, the variant was reported in a breast cancer case as well as in a reportedly healthy individual (PMID: 33471991 (2021), see also LOVD). The frequency of this variant in the general population (Genome Aggregation Database) is consistent with pathogenicity. Based on the available information, this variant is classified as pathogenic.

Ambry Genetics
Classification: Pathogenic for Hereditary cancer-predisposing syndrome. Last evaluated: 2024-08-12. Review status: criteria provided, single submitter. Criteria: Ambry Variant Classification Scheme 2023. Collection method: clinical testing. Allele origin: germline.
Comment: The c.2038_2039dupTT pathogenic mutation, located in coding exon 13 of the BRIP1 gene, results from a duplication of TT at nucleotide position 2038, causing a translational frameshift with a predicted alternate stop codon (p.L680Ffs*9). This mutation has been reported in multiple breast and/or ovarian cancer patients (Ramus SJ et al. J Natl Cancer Inst, 2015 Nov;107; Couch FJ et al. J Clin Oncol, 2015 Feb;33:304-11; Shirts BH et al. Genet Med, 2016 10;18:974-81; Easton DF et al. J Med Genet, 2016 05;53:298-309; Susswein LR et al. Genet Med, 2016 08;18:823-32; Dorling et al. N Engl J Med. 2021 02;384:428-439), and has also been detected in healthy individuals undergoing multigene panel testing (Sulem P et al. Nat Genet, 2015 May;47:448-52; Rowley SM et al. Genet Med, 2019 04;21:913-922; Dorling et al. N Engl J Med. 2021 02;384:428-439). This variant is considered to be rare based on population cohorts in the Genome Aggregation Database (gnomAD). In addition to the clinical data presented in the literature, this alteration is expected to result in loss of function by premature protein truncation or nonsense-mediated mRNA decay. As such, this alteration is interpreted as a disease-causing mutation.

Blueprint Genetics
Classification: Pathogenic for BRIP1-related disorders. Last evaluated: 2024-06-10. Review status: criteria provided, single submitter. Criteria: ACMG Guidelines, 2015. Collection method: clinical testing. Allele origin: germline. Affected: yes. Observed: 5 variant alleles.

Fulgent Genetics
Classification: Pathogenic for Familial cancer of breast; Fanconi anemia complementation group J. Last evaluated: 2024-04-23. Review status: criteria provided, single submitter. Criteria: ACMG Guidelines, 2015. Collection method: clinical testing. Allele origin: germline.

Baylor Genetics
Classification: Pathogenic for Familial cancer of breast. Last evaluated: 2024-02-15. Review status: criteria provided, single submitter. Criteria: ACMG Guidelines, 2015. Collection method: clinical testing. Allele origin: unknown.

GeneDx
Classification: Pathogenic. Last evaluated: 2024-01-12. Review status: criteria provided, single submitter. Criteria: GeneDx Variant Classification Process June 2021. Collection method: clinical testing. Allele origin: germline. Affected: yes.
Comment: Frameshift variant predicted to result in protein truncation or nonsense mediated decay in a gene for which loss of function is a known mechanism of disease; Not observed at significant frequency in large population cohorts (gnomAD); This variant is associated with the following publications: (PMID: 25452441, 26921362, 26315354, 26681312, 28152038, 24728327, 26845104, 21964575, 17033622, 32427313, 16116423, 32295079, 33471991, 30254378, 25807282, 33858029, 28888541)

Myriad Genetics, Inc.
Classification: Pathogenic for Familial cancer of breast. Last evaluated: 2023-03-02. Review status: criteria provided, single submitter. Criteria: Myriad Autosomal Dominant, Autosomal Recessive and X-Linked Classification Criteria (2023). Collection method: clinical testing. Allele origin: unknown.
Comment: This variant is considered pathogenic. This variant creates a frameshift predicted to result in premature protein truncation.

Clinical Genetics Laboratory, Skane University Hospital Lund
Classification: Pathogenic. Last evaluated: 2022-11-28. Review status: criteria provided, single submitter. Criteria: ACMG Guidelines, 2015. Collection method: clinical testing. Allele origin: germline. Affected: yes.

Department of Pathology and Laboratory Medicine, Sinai Health System
Classification: Pathogenic for Familial cancer of breast. Last evaluated: 2019-12-03. Review status: criteria provided, single submitter. Criteria: ACMG Guidelines, 2015. Collection method: clinical testing. Allele origin: germline. Affected: yes.

CeGaT Center for Human Genetics Tuebingen
Classification: Pathogenic. Last evaluated: 2019-09-01. Review status: criteria provided, single submitter. Criteria: CeGaT Center For Human Genetics Tuebingen Variant Classification Criteria Version 2. Collection method: clinical testing. Allele origin: germline. Affected: yes. Observed: 3 variant alleles.

NM_032043.3(BRIP1):c.2038_2039dup (p.Leu680fs)

Gene: BRIP1 (BRCA1 interacting DNA helicase 1; minus strand). Cytogenetic location: 17q23.2.
Variant type: Duplication.
Coding change: c.2038_2039dup on transcript NM_032043.3 (MANE Select); coding-DNA positions 2038 to 2039, 2 bases duplicated (TT; older notation c.2038_2039dupTT).
Protein change: p.Leu680fs; shifts the reading frame from leucine 680.
Molecular consequence: frameshift variant.
Genome position (GRCh38, 1-based): chr17:61,776,459-61,776,460, AA duplicated on the plus strand (TT on the coding strand, the reverse complement: BRIP1 is on the minus strand); duplicating any 2 consecutive bases within chr17:61,776,459-61,776,462 gives the same sequence; the c. name uses the placement nearest the transcript's 3' end. VCF-style (leftmost placement, unchanged base first): chr17-61776458-C-CAA. GRCh37 (hg19) VCF-style: chr17-59853819-C-CAA.
Other names: p.Leu680Phefs*9; c.2039_2040insTT (NM_032043.3); c.2038_2039dupTT (NM_032043.2); short protein forms L680fs.
Identifiers: ClinVar variation 128166 (VCV000128166.87), dbSNP rs587778134, ClinGen allele CA157685.